The following is an entry in ClinVar:

ClinVar aggregate classification (germline): Benign. Review status: criteria provided, multiple submitters, no conflicts (2 of 4 stars). 10 submissions from 10 submitters: Benign (8). 2 of the submissions do not count toward it. Last evaluated 2026-02-03.

Conditions:
Cardiovascular phenotype. Identifiers: MedGen CN230736.
Brugada syndrome. Also called: Sudden unexpected nocturnal death syndrome; Sudden Unexplained Death Syndrome; Sudden Unexplained Nocturnal Death Syndrome (SUNDS); Sudden unexplained nocturnal death syndrome. Identifiers: Orphanet 130, MedGen C1142166, MONDO:0015263.

Allele frequency attached by ClinVar (database versions not stated): 1000 Genomes Project 30x 0.01437; 1000 Genomes Project 0.01438; gnomAD 0.02222 and 0.02232; TOPMed 0.02251; ESP Exome Variant Server 0.02314; ExAC 0.02573; gnomAD exomes 0.02631.
gnomAD v4.1: 49,466 of 1,614,122 alleles (3.1%); highest among the groups gnomAD compares: Non-Finnish European, 3.5%; 861 homozygotes.

Submissions (10):

Labcorp Genetics (formerly Invitae), Labcorp
Classification: Benign for Brugada syndrome. Last evaluated: 2026-02-03. Review status: criteria provided, single submitter. Criteria: Invitae Variant Classification Sherloc (09022015). Collection method: clinical testing. Allele origin: germline.

Blueprint Genetics
Classification: Benign. Last evaluated: 2024-11-22. Review status: criteria provided, single submitter. Criteria: ACMG Guidelines, 2015. Collection method: clinical testing. Allele origin: germline.

Women's Health and Genetics/Laboratory Corporation of America, LabCorp
Classification: Benign. Last evaluated: 2023-04-10. Review status: criteria provided, single submitter. Criteria: LabCorp Variant Classification Summary - May 2015. Collection method: clinical testing. Allele origin: germline.

Ambry Genetics
Classification: Benign for Cardiovascular phenotype. Last evaluated: 2018-12-21. Review status: criteria provided, single submitter. Criteria: Ambry Variant Classification Scheme 2023. Collection method: clinical testing. Allele origin: germline.

Mayo Clinic Laboratories, Mayo Clinic
Classification: Benign. Last evaluated: 2018-05-14. Review status: criteria provided, single submitter. Criteria: ACMG Guidelines, 2015. Collection method: clinical testing. Allele origin: germline. Observed: 103 variant alleles.

GeneDx
Classification: Benign. Last evaluated: 2016-09-28. Review status: criteria provided, single submitter. Criteria: GeneDx Variant Classification (06012015). Collection method: clinical testing. Allele origin: germline. Affected: yes.
Comment: This variant is considered likely benign or benign based on one or more of the following criteria: it is a conservative change, it occurs at a poorly conserved position in the protein, it is predicted to be benign by multiple in silico algorithms, and/or has population frequency not consistent with disease.

Molecular Diagnostic Laboratory for Inherited Cardiovascular Disease, Montreal Heart Institute
Classification: Benign. Last evaluated: 2016-06-10. Review status: criteria provided, single submitter. Criteria: ACMG Guidelines, 2015. Collection method: clinical testing. Allele origin: germline. Affected: yes.

Breakthrough Genomics
Classification: Benign. Review status: criteria provided, single submitter. Criteria: ACMG Guidelines, 2015. Collection method: not provided. Allele origin: germline. Inheritance: Autosomal dominant inheritance. Affected: yes.

Clinical Genetics, Academic Medical Center
Classification: Benign. Review status: no assertion criteria provided. Collection method: clinical testing. Allele origin: germline. Affected: yes. Study: VKGL Data-share Consensus. Not counted in ClinVar's aggregate classification.

Joint Genome Diagnostic Labs from Nijmegen and Maastricht, Radboudumc and MUMC+
Classification: Benign. Review status: no assertion criteria provided. Collection method: clinical testing. Allele origin: germline. Affected: yes. Study: VKGL Data-share Consensus. Not counted in ClinVar's aggregate classification.

NM_006514.4(SCN10A):c.5217C>T (p.Asp1739=)

Gene: SCN10A (sodium voltage-gated channel alpha subunit 10; minus strand). Cytogenetic location: 3p22.2.
Variant type: single nucleotide variant.
Coding change: c.5217C>T on transcript NM_006514.4 (MANE Select); coding-DNA position 5217, C replaced by T.
Protein change: p.Asp1739=; no amino-acid change (aspartic acid 1739 retained).
Molecular consequence: synonymous variant.
Genome position (GRCh38, 1-based): chr3:38,698,003, G>A on the plus strand (C>T on the coding strand, the complement: SCN10A is on the minus strand). VCF-style: chr3-38698003-G-A. GRCh37 (hg19) VCF-style: chr3-38739494-G-A.
Other names: p.Asp1739=; c.5214C>T, p.Asp1738= (NM_001293306.2); c.4923C>T, p.Asp1641= (NM_001293307.2).
Identifiers: ClinVar variation 240680 (VCV000240680.21), dbSNP rs116353929, ClinGen allele CA2319719.